The following is an entry in ClinVar:

ClinVar aggregate classification (germline): Uncertain significance. Review status: criteria provided, multiple submitters, no conflicts (2 of 4 stars). 2 submissions from 2 submitters: Uncertain significance (2). Last evaluated 2025-05-24.

Conditions:
Cardiovascular phenotype. Identifiers: MedGen CN230736.
Dilated cardiomyopathy 1DD (CMD1DD). Identifiers: Orphanet 154, MedGen C2750995, MONDO:0013168, OMIM 613172.

Allele frequency attached by ClinVar (database versions not stated): gnomAD exomes below 0.00001.
gnomAD v4.1: 3 of 1,551,732 alleles (0.00019%); highest among the groups gnomAD compares: Non-Finnish European, 0.00017%; no homozygotes.

Submissions (2):

Ambry Genetics
Classification: Uncertain significance for Cardiovascular phenotype. Last evaluated: 2025-05-24. Review status: criteria provided, single submitter. Criteria: Ambry Variant Classification Scheme 2023. Collection method: clinical testing. Allele origin: germline.
Comment: The p.E907D variant (also known as c.2721G>C), located in coding exon 11 of the RBM20 gene, results from a G to C substitution at nucleotide position 2721. The glutamic acid at codon 907 is replaced by aspartic acid, an amino acid with highly similar properties. This amino acid position is conserved. In addition, the in silico prediction for this alteration is inconclusive. Based on the available evidence, the clinical significance of this variant remains unclear.

Labcorp Genetics (formerly Invitae), Labcorp
Classification: Uncertain significance for Dilated cardiomyopathy 1DD. Last evaluated: 2023-03-13. Review status: criteria provided, single submitter. Criteria: Invitae Variant Classification Sherloc (09022015). Collection method: clinical testing. Allele origin: germline.
Comment: In summary, the available evidence is currently insufficient to determine the role of this variant in disease. Therefore, it has been classified as a Variant of Uncertain Significance. Advanced modeling of protein sequence and biophysical properties (such as structural, functional, and spatial information, amino acid conservation, physicochemical variation, residue mobility, and thermodynamic stability) performed at Invitae indicates that this missense variant is not expected to disrupt RBM20 protein function. This variant has not been reported in the literature in individuals affected with RBM20-related conditions. This variant is not present in population databases (gnomAD no frequency). This sequence change replaces glutamic acid, which is acidic and polar, with aspartic acid, which is acidic and polar, at codon 907 of the RBM20 protein (p.Glu907Asp).

NM_001134363.3(RBM20):c.2721G>C (p.Glu907Asp)

Gene: RBM20 (RNA binding motif protein 20; plus strand). Cytogenetic location: 10q25.2.
Variant type: single nucleotide variant.
Coding change: c.2721G>C on transcript NM_001134363.3 (MANE Select); coding-DNA position 2721, G replaced by C.
Protein change: p.Glu907Asp; replaces glutamic acid 907 with aspartic acid.
Molecular consequence: missense variant.
Genome position (GRCh38, 1-based): chr10:110,821,340, G>C. VCF-style: chr10-110821340-G-C. GRCh37 (hg19) VCF-style: chr10-112581098-G-C.
Other names: short protein forms E907D.
Identifiers: ClinVar variation 2744833 (VCV002744833.2), dbSNP rs2493493156, ClinGen allele CA378377294.